The following is an entry in ClinVar:

ClinVar aggregate classification (germline): Likely benign. Review status: criteria provided, single submitter (1 of 4 stars). 3 submissions from 3 submitters: Likely benign (1). 2 of the submissions do not count toward it. Last evaluated 2018-12-27.

Conditions:
Hereditary factor X deficiency disease. Also called: Congenital factor X deficiency; STUART-PROWER FACTOR DEFICIENCY. Identifiers: Orphanet 328, MedGen C0272327, MONDO:0009212, OMIM 227600.
F10-related disorder. Also called: F10-related condition.

Allele frequency attached by ClinVar (database versions not stated): ExAC 0.00003; gnomAD exomes 0.00004; ESP Exome Variant Server 0.00008; TOPMed 0.00014; gnomAD 0.00015 and 0.00016; 1000 Genomes Project 30x 0.00031; 1000 Genomes Project 0.00040.
gnomAD v4.1: 87 of 1,613,484 alleles (0.0054%); highest among the groups gnomAD compares: Middle Eastern, 0.099%; no homozygotes.

Submissions (3):

Labcorp Genetics (formerly Invitae), Labcorp
Classification: Likely benign. Last evaluated: 2018-12-27. Review status: criteria provided, single submitter. Criteria: Invitae Variant Classification Sherloc (09022015). Collection method: clinical testing. Allele origin: germline.

PreventionGenetics, part of Exact Sciences
Classification: Likely benign for F10-related condition. Last evaluated: 2019-03-05. Review status: no assertion criteria provided. Collection method: clinical testing. Allele origin: germline. Not counted in ClinVar's aggregate classification.
Comment: This variant is classified as likely benign based on ACMG/AMP sequence variant interpretation guidelines (Richards et al. 2015 PMID: 25741868, with internal and published modifications).

ISTH-SSC Genomics in Thrombosis and Hemostasis, KU Leuven, Center for Molecular and Vascular Biology
Classification: Uncertain significance for Hereditary factor X deficiency disease. Review status: no assertion criteria provided. Collection method: research. Allele origin: unknown. Affected: yes. Not counted in ClinVar's aggregate classification.
Comment: Submitted to GoldVariant by Dr Karyn Mégy from NIHR Bioresource - Cambridge University, UK

NM_000504.4(F10):c.747+8T>C

Genes: F10 (coagulation factor X; plus strand), F10-AS2 (F10 antisense RNA 2; minus strand). Cytogenetic location: 13q34.
Variant type: single nucleotide variant.
Coding change: c.747+8T>C on transcript NM_000504.4 (MANE Select); 8 bases into the intron after coding-DNA position 747, T replaced by C.
Molecular consequence: intron variant.
Genome position (GRCh38, 1-based): chr13:113,144,103, T>C. VCF-style: chr13-113144103-T-C. GRCh37 (hg19) VCF-style: chr13-113798417-T-C.
Other names: c.747+8T>C (NM_001312675.2); c.615+8T>C (NM_001312674.2).
Identifiers: ClinVar variation 799526 (VCV000799526.6), dbSNP rs200618182, ClinGen allele CA7060558.